The following is an entry in ClinVar:

NM_000104.4(CYP1B1):c.233C>A (p.Ala78Glu)

Gene: CYP1B1 (cytochrome P450 family 1 subfamily B member 1; minus strand). Cytogenetic location: 2p22.2.
Variant type: single nucleotide variant.
Coding change: c.233C>A on transcript NM_000104.4 (MANE Select); coding-DNA position 233, C replaced by A.
Protein change: p.Ala78Glu; replaces alanine 78 with glutamic acid.
Molecular consequence: missense variant.
Genome position (GRCh38, 1-based): chr2:38,075,156, G>T on the plus strand (C>A on the coding strand, the complement: CYP1B1 is on the minus strand). VCF-style: chr2-38075156-G-T. GRCh37 (hg19) VCF-style: chr2-38302299-G-T.
Other names: short protein forms A78E.
Identifiers: ClinVar variation 1023619 (VCV001023619.6), dbSNP rs1055845013, ClinGen allele CA45511646.

ClinVar aggregate classification (germline): Uncertain significance (1 of 4 stars; one submission).

Conditions:
Congenital glaucoma. Identifiers: MedGen C0020302, MONDO:0020366.

Allele frequency attached by ClinVar (database versions not stated): TOPMed below 0.00001; gnomAD 0.00001; gnomAD exomes 0.00001.
gnomAD v4.1: 9 of 1,572,210 alleles (0.00057%); highest among the groups gnomAD compares: Non-Finnish European, 0.00069%; no homozygotes.

Submission:

Labcorp Genetics (formerly Invitae), Labcorp
Classification: Uncertain significance for Congenital glaucoma. Last evaluated: 2021-08-31. Review status: criteria provided, single submitter. Criteria: Invitae Variant Classification Sherloc (09022015). Collection method: clinical testing. Allele origin: germline.
Comment: This sequence change replaces alanine with glutamic acid at codon 78 of the CYP1B1 protein (p.Ala78Glu). The alanine residue is moderately conserved and there is a moderate physicochemical difference between alanine and glutamic acid. This variant is not present in population databases (ExAC no frequency). This variant has not been reported in the literature in individuals affected with CYP1B1-related conditions. Algorithms developed to predict the effect of missense changes on protein structure and function are either unavailable or do not agree on the potential impact of this missense change (SIFT: "Deleterious"; PolyPhen-2: "Probably Damaging"; Align-GVGD: "Class C0"). In summary, the available evidence is currently insufficient to determine the role of this variant in disease. Therefore, it has been classified as a Variant of Uncertain Significance.